The following is an entry in ClinVar:

ClinVar aggregate classification (germline): Uncertain significance (1 of 4 stars; one submission).

gnomAD v4.1: 1 of 1,596,876 alleles (0.000063%); no homozygotes.

Submission:

Labcorp Genetics (formerly Invitae), Labcorp
Classification: Uncertain significance. Last evaluated: 2023-12-30. Review status: criteria provided, single submitter. Criteria: Invitae Variant Classification Sherloc (09022015). Collection method: clinical testing. Allele origin: germline.
Comment: This sequence change replaces proline, which is neutral and non-polar, with arginine, which is basic and polar, at codon 837 of the BRD4 protein (p.Pro837Arg). This variant is not present in population databases (gnomAD no frequency). This variant has not been reported in the literature in individuals affected with BRD4-related conditions. An algorithm developed to predict the effect of missense changes on protein structure and function (PolyPhen-2) suggests that this variant is likely to be disruptive. In summary, the available evidence is currently insufficient to determine the role of this variant in disease. Therefore, it has been classified as a Variant of Uncertain Significance.

NM_001379291.1(BRD4):c.2510C>G (p.Pro837Arg)

Gene: BRD4 (bromodomain containing 4; minus strand). Cytogenetic location: 19p13.12.
Variant type: single nucleotide variant.
Coding change: c.2510C>G on transcript NM_001379291.1 (MANE Select); coding-DNA position 2510, C replaced by G.
Protein change: p.Pro837Arg; replaces proline 837 with arginine.
Molecular consequence: missense variant.
Genome position (GRCh38, 1-based): chr19:15,244,302, G>C on the plus strand (C>G on the coding strand, the complement: BRD4 is on the minus strand). VCF-style: chr19-15244302-G-C. GRCh37 (hg19) VCF-style: chr19-15355113-G-C.
Other names: c.2510C>G, p.Pro837Arg (NM_058243.3); short protein forms P837R.
Identifiers: ClinVar variation 2904092 (VCV002904092.3), dbSNP rs2512714750, ClinGen allele CA404507231.